The following is an entry in ClinVar:

NM_001009944.3(PKD1):c.5633C>T (p.Thr1878Met)

Gene: PKD1 (polycystin 1, transient receptor potential channel interacting; minus strand). Cytogenetic location: 16p13.3.
Variant type: single nucleotide variant.
Coding change: c.5633C>T on transcript NM_001009944.3 (MANE Select); coding-DNA position 5633, C replaced by T.
Protein change: p.Thr1878Met; replaces threonine 1878 with methionine.
Molecular consequence: missense variant.
Genome position (GRCh38, 1-based): chr16:2,109,534, G>A on the plus strand (C>T on the coding strand, the complement: PKD1 is on the minus strand). VCF-style: chr16-2109534-G-A. GRCh37 (hg19) VCF-style: chr16-2159535-G-A.
Other names: c.5633C>T, p.Thr1878Met (NM_000296.4); short protein forms T1878M.
Identifiers: ClinVar variation 4978087 (VCV004978087.1).
Genomic context (GRCh38, chr16:2,109,534, plus strand): 5'-ACCTTGCTGCTGGCCCACAGCACCAGGCCCACGATGGGCTCCTCCGCCGTGAGGTTGTAC[G>A]TGGCTGAGACCCAGCTGACTGCGTTGGAGGCATTGAGCCGGATGGAGAAGGTGCCAGCAT-3'
Protein context (NP_001009944.3, residues 1868-1888): ASNAVSWVSA[Thr1878Met]YNLTAEEPIV

ClinVar aggregate classification (germline): Likely benign (1 of 4 stars; one submission).

Conditions:
PKD1-related disorder. Also called: PKD1-related condition.

gnomAD v4.1: 122 of 1,611,224 alleles (0.0076%); highest among the groups gnomAD compares: South Asian, 0.096%; 2 homozygotes.

Submission:

PreventionGenetics, part of Exact Sciences
Classification: Likely benign for PKD1-related condition. Last evaluated: 2025-04-20. Review status: criteria provided, single submitter. Criteria: ACMG Guidelines, 2015. Collection method: clinical testing. Allele origin: germline.
Comment: This variant is classified as likely benign based on ACMG/AMP sequence variant interpretation guidelines (Richards et al. 2015 PMID: 25741868, with internal and published modifications).